The following is an entry in ClinVar:

NM_000719.7(CACNA1C):c.2644A>G (p.Ile882Val)

Gene: CACNA1C (calcium voltage-gated channel subunit alpha1 C; plus strand). Cytogenetic location: 12p13.33.
Variant type: single nucleotide variant.
Coding change: c.2644A>G on transcript NM_000719.7 (MANE Select); coding-DNA position 2644, A replaced by G.
Protein change: p.Ile882Val; replaces isoleucine 882 with valine.
Molecular consequence: missense variant.
Genome position (GRCh38, 1-based): chr12:2,593,326, A>G. VCF-style: chr12-2593326-A-G. GRCh37 (hg19) VCF-style: chr12-2702492-A-G.
Other names: c.2644A>G, p.Ile882Val (NM_001129838.2, NM_001129839.2, NM_001129840.2 and 18 more transcripts); c.2635A>G, p.Ile879Val (NM_001129844.2); short protein forms I882V, I879V.
Identifiers: ClinVar variation 2964981 (VCV002964981.4), dbSNP rs1219773499, ClinGen allele CA383372305.

ClinVar aggregate classification (germline): Uncertain significance. Review status: criteria provided, multiple submitters, no conflicts (2 of 4 stars). 2 submissions from 2 submitters: Uncertain significance (2). Last evaluated 2025-07-15.

Conditions:
Long QT syndrome (LQTS). Identifiers: MedGen C0023976, MeSH D008133, MONDO:0002442. Disease mechanism: loss of function. Inheritance: Various modes of inheritance.

Allele frequency attached by ClinVar (database versions not stated): gnomAD 0.00001; TOPMed 0.00001; gnomAD exomes below 0.00001.
gnomAD v4.1: 3 of 1,613,752 alleles (0.00019%); highest among the groups gnomAD compares: African/African-American, 0.0027%; no homozygotes.

Submissions (2):

Labcorp Genetics (formerly Invitae), Labcorp
Classification: Uncertain significance for Long QT syndrome. Last evaluated: 2025-07-15. Review status: criteria provided, single submitter. Criteria: Invitae Variant Classification Sherloc (09022015). Collection method: clinical testing. Allele origin: germline.
Comment: This sequence change replaces isoleucine, which is neutral and non-polar, with valine, which is neutral and non-polar, at codon 882 of the CACNA1C protein (p.Ile882Val). This variant is not present in population databases (gnomAD no frequency). This variant has not been reported in the literature in individuals affected with CACNA1C-related conditions. ClinVar contains an entry for this variant (Variation ID: 2964981). Invitae Evidence Modeling of protein sequence and biophysical properties (such as structural, functional, and spatial information, amino acid conservation, physicochemical variation, residue mobility, and thermodynamic stability) indicates that this missense variant is not expected to disrupt CACNA1C protein function with a negative predictive value of 95%. In summary, the available evidence is currently insufficient to determine the role of this variant in disease. Therefore, it has been classified as a Variant of Uncertain Significance.

GeneDx
Classification: Uncertain significance. Last evaluated: 2023-04-12. Review status: criteria provided, single submitter. Criteria: GeneDx Variant Classification Process June 2021. Collection method: clinical testing. Allele origin: germline. Affected: yes.
Comment: Not observed at significant frequency in large population cohorts (gnomAD); In silico analysis supports that this missense variant does not alter protein structure/function; Has not been previously published as pathogenic or benign to our knowledge